The following is an entry in ClinVar:

NM_152383.5(DIS3L2):c.2025C>G (p.Phe675Leu)

Gene: DIS3L2 (DIS3 like 3'-5' exoribonuclease 2; plus strand). Cytogenetic location: 2q37.1.
Variant type: single nucleotide variant.
Coding change: c.2025C>G on transcript NM_152383.5 (MANE Select); coding-DNA position 2025, C replaced by G.
Protein change: p.Phe675Leu; replaces phenylalanine 675 with leucine.
Molecular consequence: missense variant. On other transcripts: non-coding transcript variant (2), intron variant (1).
Genome position (GRCh38, 1-based): chr2:232,333,854, C>G. VCF-style: chr2-232333854-C-G. GRCh37 (hg19) VCF-style: chr2-233198564-C-G.
Other names: c.1582-9491C>G (NM_001257281.2); short protein forms F675L.
Identifiers: ClinVar variation 1396378 (VCV001396378.6), dbSNP rs766258976, ClinGen allele CA2164376.

ClinVar aggregate classification (germline): Uncertain significance (1 of 4 stars; one submission).

Conditions:
Perlman syndrome (PRLMNS). Identifiers: Orphanet 2849, MedGen C0796113, MONDO:0009965, OMIM 267000.

Allele frequency attached by ClinVar (database versions not stated): gnomAD exomes below 0.00001; ExAC 0.00001.
gnomAD v4.1: 1 of 1,611,788 alleles (0.000062%); highest among the groups gnomAD compares: East Asian, 0.0022%; no homozygotes.

Submission:

Labcorp Genetics (formerly Invitae), Labcorp
Classification: Uncertain significance for Perlman syndrome. Last evaluated: 2023-08-03. Review status: criteria provided, single submitter. Criteria: Invitae Variant Classification Sherloc (09022015). Collection method: clinical testing. Allele origin: germline.
Comment: This sequence change replaces phenylalanine, which is neutral and non-polar, with leucine, which is neutral and non-polar, at codon 675 of the DIS3L2 protein (p.Phe675Leu). This variant is present in population databases (rs766258976, gnomAD 0.006%). This variant has not been reported in the literature in individuals affected with DIS3L2-related conditions. ClinVar contains an entry for this variant (Variation ID: 1396378). An algorithm developed to predict the effect of missense changes on protein structure and function (PolyPhen-2) suggests that this variant is likely to be disruptive. In summary, the available evidence is currently insufficient to determine the role of this variant in disease. Therefore, it has been classified as a Variant of Uncertain Significance.